The following is an entry in ClinVar:

NM_144997.7(FLCN):c.1326del (p.His442fs)

Gene: FLCN (folliculin; minus strand). Cytogenetic location: 17p11.2.
Variant type: Deletion.
Coding change: c.1326del on transcript NM_144997.7 (MANE Select); coding-DNA position 1326, one base deleted (C; older notation c.1326delC).
Protein change: p.His442fs; shifts the reading frame from histidine 442.
Molecular consequence: frameshift variant.
Genome position (GRCh38, 1-based): chr17:17,215,291, G deleted on the plus strand (C on the coding strand, the reverse complement: FLCN is on the minus strand). VCF-style (leftmost placement, unchanged base first): chr17-17215290-CG-C. GRCh37 (hg19) VCF-style: chr17-17118604-CG-C.
Other names: c.1380del, p.His460fs (NM_001353229.2); c.1326del, p.His442fs (NM_001353230.2, NM_001353231.2); short protein forms H442fs, H460fs.
Identifiers: ClinVar variation 657432 (VCV000657432.6), dbSNP rs1597580340, ClinGen allele CA915949599.

ClinVar aggregate classification (germline): Pathogenic (1 of 4 stars; one submission).

Conditions:
Birt-Hogg-Dube syndrome. Also called: Birt Hogg Dubé syndrome. Identifiers: Orphanet 122, MedGen C0346010, MONDO:0800444.

Submission:

Labcorp Genetics (formerly Invitae), Labcorp
Classification: Pathogenic for Birt-Hogg-Dube syndrome. Last evaluated: 2018-12-13. Review status: criteria provided, single submitter. Criteria: Invitae Variant Classification Sherloc (09022015). Collection method: clinical testing. Allele origin: germline.
Comment: This variant is not present in population databases (ExAC no frequency). This sequence change creates a premature translational stop signal (p.His442Glnfs*26) in the FLCN gene. It is expected to result in an absent or disrupted protein product. This variant has not been reported in the literature in individuals with FLCN-related disease. For these reasons, this variant has been classified as Pathogenic. Loss-of-function variants in FLCN are known to be pathogenic (PMID: 15852235).

Literature cited by the submitters: PubMed 15852235.